The following is an entry in ClinVar:

NM_001170629.2(CHD8):c.6171T>G (p.Ser2057Arg)

Gene: CHD8 (chromodomain helicase DNA binding protein 8; minus strand). Cytogenetic location: 14q11.2.
Variant type: single nucleotide variant.
Coding change: c.6171T>G on transcript NM_001170629.2 (MANE Select); coding-DNA position 6171, T replaced by G.
Protein change: p.Ser2057Arg; replaces serine 2057 with arginine.
Molecular consequence: missense variant.
Genome position (GRCh38, 1-based): chr14:21,393,624, A>C on the plus strand (T>G on the coding strand, the complement: CHD8 is on the minus strand). VCF-style: chr14-21393624-A-C. GRCh37 (hg19) VCF-style: chr14-21861783-A-C.
Other names: c.5334T>G, p.Ser1778Arg (NM_020920.4); short protein forms S1778R, S2057R.
Identifiers: ClinVar variation 3252366 (VCV003252366.1), dbSNP rs1887644846.

ClinVar aggregate classification (germline): Uncertain significance (1 of 4 stars; one submission).

Submission:

GeneDx
Classification: Uncertain significance. Last evaluated: 2023-10-02. Review status: criteria provided, single submitter. Criteria: GeneDx Variant Classification Process June 2021. Collection method: clinical testing. Allele origin: germline. Affected: yes.
Comment: Not observed at significant frequency in large population cohorts (gnomAD); In silico analysis supports that this missense variant does not alter protein structure/function; Has not been previously published as pathogenic or benign to our knowledge